The following is an entry in ClinVar:

NM_000548.5(TSC2):c.4294G>T (p.Ala1432Ser)

Gene: TSC2 (TSC complex subunit 2; plus strand). Cytogenetic location: 16p13.3.
Variant type: single nucleotide variant.
Coding change: c.4294G>T on transcript NM_000548.5 (MANE Select); coding-DNA position 4294, G replaced by T.
Protein change: p.Ala1432Ser; replaces alanine 1432 with serine.
Molecular consequence: missense variant. On other transcripts: non-coding transcript variant (5).
Genome position (GRCh38, 1-based): chr16:2,084,516, G>T. VCF-style: chr16-2084516-G-T. GRCh37 (hg19) VCF-style: chr16-2134517-G-T.
Other names: c.4093G>T, p.Ala1365Ser (NM_001077183.3); c.4225G>T, p.Ala1409Ser (NM_001114382.3); c.3985G>T, p.Ala1329Ser (NM_001318827.2); c.3949G>T, p.Ala1317Ser (NM_001318829.2); c.3562G>T, p.Ala1188Ser (NM_001318831.2); c.4126G>T, p.Ala1376Ser (NM_001318832.2); c.4096G>T, p.Ala1366Ser (NM_001363528.2); c.4162G>T, p.Ala1388Ser (NM_001370404.1); and 26 more; short protein forms A1232S, A1359S, A1361S, A1362S, A1366S, A1372S, A1396S, A1431S.
Identifiers: ClinVar variation 3462652 (VCV003462652.1).

ClinVar aggregate classification (germline): Uncertain significance (1 of 4 stars; one submission).

Conditions:
Hereditary cancer-predisposing syndrome. Also called: Tumor predisposition; Neoplastic Syndromes, Hereditary; Hereditary neoplastic syndrome; Hereditary Cancer Syndrome. Identifiers: Orphanet 140162, MedGen C0027672, MeSH D009386, MONDO:0015356.

Submission:

Ambry Genetics
Classification: Uncertain significance for Hereditary cancer-predisposing syndrome. Last evaluated: 2024-10-23. Review status: criteria provided, single submitter. Criteria: Ambry Variant Classification Scheme 2023. Collection method: clinical testing. Allele origin: germline.
Comment: The p.A1432S variant (also known as c.4294G>T), located in coding exon 33 of the TSC2 gene, results from a G to T substitution at nucleotide position 4294. The alanine at codon 1432 is replaced by serine, an amino acid with similar properties. This amino acid position is conserved. In addition, the in silico prediction for this alteration is inconclusive. Based on the available evidence, the clinical significance of this variant remains unclear.